The following is an entry in ClinVar:

ClinVar aggregate classification (germline): Likely pathogenic (1 of 4 stars; one submission).

Conditions:
Aarskog syndrome (AAS). Also called: Aarskog Scott syndrome; Aarskog disease; FGD1-Related Faciogenital Dysplasia (Aarskog-Scott Syndrome); Aarskog-Scott syndrome, X-linked; FGDY. Identifiers: Orphanet 915, MedGen C0175701, MONDO:0010589, OMIM 305400.

Submission:

Greenwood Genetic Center Diagnostic Laboratories, Greenwood Genetic Center
Classification: Likely pathogenic for Aarskog syndrome. Last evaluated: 2025-10-06. Review status: criteria provided, single submitter. Criteria: ACMG Guidelines, 2015. Collection method: clinical testing. Allele origin: germline. Affected: yes.
Comment: PM1, PM2, PP1, PP2, PP3

NM_004463.3(FGD1):c.1165G>A (p.Val389Ile)

Gene: FGD1 (FYVE, RhoGEF and PH domain containing 1; minus strand). Cytogenetic location: Xp11.22.
Variant type: single nucleotide variant.
Coding change: c.1165G>A on transcript NM_004463.3 (MANE Select); coding-DNA position 1165, G replaced by A.
Protein change: p.Val389Ile; replaces valine 389 with isoleucine.
Molecular consequence: missense variant.
Genome position (GRCh38, 1-based): chrX:54,468,813, C>T on the plus strand (G>A on the coding strand, the complement: FGD1 is on the minus strand). VCF-style: chrX-54468813-C-T. GRCh37 (hg19) VCF-style: chrX-54495246-C-T.
Other names: short protein forms V389I.
Identifiers: ClinVar variation 4845463 (VCV004845463.1).